The following is an entry in ClinVar:

NM_001379286.1(ZNF423):c.1983G>A (p.Leu661=)

Gene: ZNF423 (zinc finger protein 423; minus strand). Cytogenetic location: 16q12.1.
Variant type: single nucleotide variant.
Coding change: c.1983G>A on transcript NM_001379286.1 (MANE Select); coding-DNA position 1983, G replaced by A.
Protein change: p.Leu661=; no amino-acid change (leucine 661 retained).
Molecular consequence: synonymous variant.
Genome position (GRCh38, 1-based): chr16:49,637,193, C>T on the plus strand (G>A on the coding strand, the complement: ZNF423 is on the minus strand). VCF-style: chr16-49637193-C-T. GRCh37 (hg19) VCF-style: chr16-49671104-C-T.
Other names: c.1779G>A, p.Leu593= (NM_001271620.2); c.1608G>A, p.Leu536= (NM_001330533.2); c.1959G>A, p.Leu653= (NM_015069.5); c.1959G>A (NM_015069.4).
Identifiers: ClinVar variation 1098962 (VCV001098962.11), dbSNP rs147999567, ClinGen allele CA8046591.

ClinVar aggregate classification (germline): Likely benign. Review status: criteria provided, multiple submitters, no conflicts (2 of 4 stars). 3 submissions from 3 submitters: Likely benign (3). Last evaluated 2026-07-14.

Conditions:
ZNF423-related disorder. Also called: ZNF423-related condition.
Nephronophthisis 14 (NPHP14). Identifiers: Orphanet 2318, MedGen C3539071, MONDO:0013916, OMIM 614844.

Allele frequency attached by ClinVar (database versions not stated): ESP Exome Variant Server 0.00015; 1000 Genomes Project 30x 0.00031; 1000 Genomes Project 0.00040.
gnomAD v4.1: 64 of 1,613,930 alleles (0.004%); highest among the groups gnomAD compares: Middle Eastern, 0.12%; no homozygotes.

Submissions (3):

PreventionGenetics, part of Exact Sciences
Classification: Likely benign for ZNF423-related condition. Last evaluated: 2026-07-14. Review status: criteria provided, single submitter. Criteria: ACMG Guidelines, 2015. Collection method: clinical testing. Allele origin: germline.
Comment: This variant is classified as likely benign based on ACMG/AMP sequence variant interpretation guidelines (Richards et al. 2015 PMID: 25741868, with internal and published modifications).

Labcorp Genetics (formerly Invitae), Labcorp
Classification: Likely benign for Nephronophthisis 14. Last evaluated: 2025-12-09. Review status: criteria provided, single submitter. Criteria: Invitae Variant Classification Sherloc (09022015). Collection method: clinical testing. Allele origin: germline.

Blueprint Genetics
Classification: Likely benign. Last evaluated: 2024-08-26. Review status: criteria provided, single submitter. Criteria: ACMG Guidelines, 2015. Collection method: clinical testing. Allele origin: germline.